The following is an entry in ClinVar:

NM_000038.6(APC):c.5562del (p.Cys1855fs)

Gene: APC (APC regulator of WNT signaling pathway; plus strand). Cytogenetic location: 5q22.2.
Variant type: Deletion.
Coding change: c.5562del on transcript NM_000038.6 (MANE Select); coding-DNA position 5562, one base deleted (C; older notation c.5562delC).
Protein change: p.Cys1855fs; shifts the reading frame from cysteine 1855.
Molecular consequence: frameshift variant.
Genome position (GRCh38, 1-based): chr5:112,841,156, C deleted. VCF-style (leftmost placement, unchanged base first): chr5-112841155-AC-A. GRCh37 (hg19) VCF-style: chr5-112176852-AC-A.
Other names: c.5562del, p.Cys1855fs (NM_001127510.3, NM_001354895.2); c.5508del, p.Cys1837fs (NM_001127511.3); c.5616del, p.Cys1873fs (NM_001354896.2); c.5592del, p.Cys1865fs (NM_001354897.2); c.5487del, p.Cys1830fs (NM_001354898.2); c.5478del, p.Cys1827fs (NM_001354899.2); c.5439del, p.Cys1814fs (NM_001354900.2); c.5385del, p.Cys1796fs (NM_001354901.2); and 5 more; short protein forms C1572fs, C1695fs, C1754fs, C1764fs, C1814fs, C1830fs, C1855fs, C1729fs.
Identifiers: ClinVar variation 418682 (VCV000418682.2), dbSNP rs1064793363, ClinGen allele CA16618090.

ClinVar aggregate classification (germline): Pathogenic (1 of 4 stars; one submission).

Submission:

GeneDx
Classification: Pathogenic. Last evaluated: 2015-03-18. Review status: criteria provided, single submitter. Criteria: GeneDx Variant Classification (06012015). Collection method: clinical testing. Allele origin: germline. Affected: yes.
Comment: This deletion of one nucleotide in APC is denoted c.5562delC at the cDNA level and p.Cys1855ValfsX8 (C1855VfsX8) at the protein level. The normal sequence, with the base that is deleted in brackets, is CTTA[C]TGTT. The deletion causes a frameshift, which changes a Cysteine to a Valine at codon 1855, and creates a premature stop codon at position 8 of the new reading frame. The newly created stop codon replaces the last 989 amino acids with 7 incorrect ones. Although this variant has not, to our knowledge, been reported in the literature, it is predicted to cause loss of normal protein function through protein truncation. we consider this variant to be pathogenic.